The following is an entry in ClinVar:

NM_004281.4(BAG3):c.133C>T (p.Arg45Cys)

Gene: BAG3 (BAG cochaperone 3; plus strand). Cytogenetic location: 10q26.11.
Variant type: single nucleotide variant.
Coding change: c.133C>T on transcript NM_004281.4 (MANE Select); coding-DNA position 133, C replaced by T.
Protein change: p.Arg45Cys; replaces arginine 45 with cysteine.
Molecular consequence: missense variant.
Genome position (GRCh38, 1-based): chr10:119,651,808, C>T. VCF-style: chr10-119651808-C-T. GRCh37 (hg19) VCF-style: chr10-121411320-C-T.
Other names: short protein forms R45C.
Identifiers: ClinVar variation 410233 (VCV000410233.17), dbSNP rs747820097, ClinGen allele CA5716225.

ClinVar aggregate classification (germline): Conflicting classifications of pathogenicity. Review status: criteria provided, conflicting classifications (1 of 4 stars). 6 submissions from 6 submitters: Uncertain significance (4); Likely benign (2). Last evaluated 2026-01-19.

Conditions:
Cardiovascular phenotype. Identifiers: MedGen CN230736.
Myofibrillar myopathy 6. Identifiers: Orphanet 199340, MedGen C2751831, MONDO:0013061, OMIM 612954.
Dilated cardiomyopathy 1HH (CMD1HH). Identifiers: Orphanet 154, MedGen C3151293, MONDO:0013479, OMIM 613881.

Allele frequency attached by ClinVar (database versions not stated): gnomAD exomes 0.00002; ExAC 0.00003; TOPMed 0.00003; gnomAD 0.00005.
gnomAD v4.1: 24 of 1,597,936 alleles (0.0015%); highest among the groups gnomAD compares: African/African-American, 0.0054%; no homozygotes.

Submissions (6):

Labcorp Genetics (formerly Invitae), Labcorp
Classification: Likely benign for Dilated cardiomyopathy 1HH; Myofibrillar myopathy 6. Last evaluated: 2026-01-19. Review status: criteria provided, single submitter. Criteria: Invitae Variant Classification Sherloc (09022015). Collection method: clinical testing. Allele origin: germline.

Blueprint Genetics
Classification: Likely benign. Last evaluated: 2024-07-08. Review status: criteria provided, single submitter. Criteria: ACMG Guidelines, 2015. Collection method: clinical testing. Allele origin: germline.

Ambry Genetics
Classification: Uncertain significance for Cardiovascular phenotype. Last evaluated: 2023-08-01. Review status: criteria provided, single submitter. Criteria: Ambry Variant Classification Scheme 2023. Collection method: clinical testing. Allele origin: germline.
Comment: The p.R45C variant (also known as c.133C>T), located in coding exon 1 of the BAG3 gene, results from a C to T substitution at nucleotide position 133. The arginine at codon 45 is replaced by cysteine, an amino acid with highly dissimilar properties. This alteration has been reported in a dilated cardiomyopathy (DCM) cohort; however, clinical details were limited (Mazzarotto F et al. Circulation, 2020 Feb;141:387-398). This amino acid position is highly conserved in available vertebrate species. In addition, this alteration is predicted to be deleterious by in silico analysis. Since supporting evidence is limited at this time, the clinical significance of this alteration remains unclear.

Fulgent Genetics
Classification: Uncertain significance for Myofibrillar myopathy 6; Dilated cardiomyopathy 1HH. Last evaluated: 2021-08-30. Review status: criteria provided, single submitter. Criteria: ACMG Guidelines, 2015. Collection method: clinical testing. Allele origin: unknown.

GeneDx
Classification: Uncertain significance. Last evaluated: 2019-11-25. Review status: criteria provided, single submitter. Criteria: GeneDx Variant Classification Process June 2021. Collection method: clinical testing. Allele origin: germline. Affected: yes.
Comment: Reported in ClinVar as a variant of uncertain significance (ClinVar Variant ID# 410233; Landrum et al., 2016); In silico analysis, which includes protein predictors and evolutionary conservation, supports a deleterious effect; This variant is associated with the following publications: (PMID: 31638414)

Stanford Center for Inherited Cardiovascular Disease, Stanford University
Classification: Uncertain significance. Last evaluated: 2017-04-29. Review status: criteria provided, single submitter. Criteria: ACMG Guidelines, 2015. Collection method: provider interpretation. Allele origin: germline.

Literature cited by the submitters: PubMed 31983221 (cited by Ambry Genetics).